The following is an entry in ClinVar:

ClinVar aggregate classification (germline): Pathogenic. Review status: criteria provided, single submitter (1 of 4 stars). 2 submissions from 2 submitters: Pathogenic (1). 1 of the submissions does not count toward it. Last evaluated 2025-07-21.

Conditions:
Developmental and epileptic encephalopathy. Identifiers: MedGen C5779964, MONDO:0100620.

Submissions (2):

GeneDx
Classification: Pathogenic. Last evaluated: 2025-07-21. Review status: criteria provided, single submitter. Criteria: GeneDx Variant Classification Process June 2021. Collection method: clinical testing. Allele origin: germline. Affected: yes.
Comment: Not observed at significant frequency in large population cohorts (gnomAD); In silico analysis supports that this missense variant has a deleterious effect on protein structure/function; This variant is associated with the following publications: (PMID: 35431799)

Neurology Department, Shenzhen Children's Hospital
Classification: Pathogenic for Developmental and epileptic encephalopathy. Last evaluated: 2022-02-16. Review status: no assertion criteria provided. Collection method: clinical testing. Allele origin: de novo. Affected: yes. Not counted in ClinVar's aggregate classification.

NM_001040142.2(SCN2A):c.3936G>T (p.Arg1312Ser)

Gene: SCN2A (sodium voltage-gated channel alpha subunit 2; plus strand). Cytogenetic location: 2q24.3.
Variant type: single nucleotide variant.
Coding change: c.3936G>T on transcript NM_001040142.2 (MANE Select); coding-DNA position 3936, G replaced by T.
Protein change: p.Arg1312Ser; replaces arginine 1312 with serine.
Molecular consequence: missense variant.
Genome position (GRCh38, 1-based): chr2:165,373,311, G>T. VCF-style: chr2-165373311-G-T. GRCh37 (hg19) VCF-style: chr2-166229821-G-T.
Other names: c.3936G>T, p.Arg1312Ser (NM_001040143.2, NM_001371246.1, NM_001371247.1 and 1 more transcripts); c.3936G>T (NM_021007.2); short protein forms R1312S.
Identifiers: ClinVar variation 1342688 (VCV001342688.4), dbSNP rs1317894002, ClinGen allele CA349029334.
Genomic context (GRCh38, chr2:165,373,311, plus strand): 5'-TGCCTTGGGTTACTCAGAACTTGGTGCCATCAAATCCCTCAGAACACTAAGAGCTCTGAG[G>T]CCACTGAGAGCTTTGTCCCGGTTTGAAGGAATGAGGGTAAGACTGAATGCCTTAGAGTTT-3'
Protein context (NP_001035232.1, residues 1302-1322): IKSLRTLRAL[Arg1312Ser]PLRALSRFEG